The following is an entry in ClinVar:

NM_001041.4(SI):c.3313C>T (p.Arg1105Cys)

Gene: SI (sucrase-isomaltase; minus strand). Cytogenetic location: 3q26.1.
Variant type: single nucleotide variant.
Coding change: c.3313C>T on transcript NM_001041.4 (MANE Select); coding-DNA position 3313, C replaced by T.
Protein change: p.Arg1105Cys; replaces arginine 1105 with cysteine.
Molecular consequence: missense variant.
Genome position (GRCh38, 1-based): chr3:165,019,712, G>A on the plus strand (C>T on the coding strand, the complement: SI is on the minus strand). VCF-style: chr3-165019712-G-A. GRCh37 (hg19) VCF-style: chr3-164737500-G-A.
Other names: c.3313C>T (NM_001041.3); short protein forms R1105C.
Identifiers: ClinVar variation 3719018 (VCV003719018.3).
Genomic context (GRCh38, chr3:165,019,712, plus strand): 5'-CTCGCTTAAATGCTGTATGTTCCACTTCCCCAAAACCATATATATATTCTGATGGCAGGC[G>A]AGTCGATATTTGAATGAACTGGTCATTAAAAGCAAATCCAGGCAGCCAAGAATCCCAACT-3'
Protein context (NP_001032.2, residues 1095-1115): FNDQFIQIST[Arg1105Cys]LPSEYIYGFG

ClinVar aggregate classification (germline): Uncertain significance. Review status: criteria provided, multiple submitters, no conflicts (2 of 4 stars). 2 submissions from 2 submitters: Uncertain significance (2). Last evaluated 2025-08-22.

Conditions:
Inborn genetic diseases. Identifiers: MedGen C0950123, MeSH D030342.

gnomAD v4.1: 20 of 1,612,382 alleles (0.0012%); highest among the groups gnomAD compares: African/African-American, 0.004%; no homozygotes.

Submissions (2):

Ambry Genetics
Classification: Uncertain significance for Inborn genetic diseases. Last evaluated: 2025-08-22. Review status: criteria provided, single submitter. Criteria: Ambry Variant Classification Scheme 2023. Collection method: clinical testing. Allele origin: germline.

Labcorp Genetics (formerly Invitae), Labcorp
Classification: Uncertain significance. Last evaluated: 2024-04-11. Review status: criteria provided, single submitter. Criteria: Invitae Variant Classification Sherloc (09022015). Collection method: clinical testing. Allele origin: germline.
Comment: This sequence change replaces arginine, which is basic and polar, with cysteine, which is neutral and slightly polar, at codon 1105 of the SI protein (p.Arg1105Cys). This variant is present in population databases (rs138397431, gnomAD 0.02%). This variant has not been reported in the literature in individuals affected with SI-related conditions. Advanced modeling of protein sequence and biophysical properties (such as structural, functional, and spatial information, amino acid conservation, physicochemical variation, residue mobility, and thermodynamic stability) has been performed at Invitae for this missense variant, however the output from this modeling did not meet the statistical confidence thresholds required to predict the impact of this variant on SI protein function. In summary, the available evidence is currently insufficient to determine the role of this variant in disease. Therefore, it has been classified as a Variant of Uncertain Significance.